The following is an entry in ClinVar:

NM_000051.4(ATM):c.1307T>A (p.Leu436Gln)

Gene: ATM (ATM serine/threonine kinase; plus strand). Cytogenetic location: 11q22.3.
Variant type: single nucleotide variant.
Coding change: c.1307T>A on transcript NM_000051.4 (MANE Select); coding-DNA position 1307, T replaced by A.
Protein change: p.Leu436Gln; replaces leucine 436 with glutamine.
Molecular consequence: missense variant.
Genome position (GRCh38, 1-based): chr11:108,250,772, T>A. VCF-style: chr11-108250772-T-A. GRCh37 (hg19) VCF-style: chr11-108121499-T-A.
Other names: c.1307T>A, p.Leu436Gln (NM_001351834.2); short protein forms L436Q.
Identifiers: ClinVar variation 407570 (VCV000407570.10), dbSNP rs1060501608, ClinGen allele CA16613264.

ClinVar aggregate classification (germline): Uncertain significance. Review status: criteria provided, multiple submitters, no conflicts (2 of 4 stars). 2 submissions from 2 submitters: Uncertain significance (2). Last evaluated 2021-03-17.

Conditions:
Ataxia-telangiectasia syndrome (AT). Also called: Ataxia telangiectasia (A-T); LOUIS-BAR SYNDROME; Cerebello-oculocutaneous telangiectasia; Immunodeficiency with ataxia telangiectasia; Ataxia-telangiectasia, complementation group D; AT, COMPLEMENTATION GROUP C. Identifiers: Orphanet 100, MedGen C0004135, MONDO:0008840, OMIM 208900.

Submissions (2):

GeneDx
Classification: Uncertain significance. Last evaluated: 2021-03-17. Review status: criteria provided, single submitter. Criteria: GeneDx Variant Classification Process June 2021. Collection method: clinical testing. Allele origin: germline. Affected: yes.
Comment: Not observed in large population cohorts (Lek et al., 2016); In silico analysis supports that this missense variant has a deleterious effect on protein structure/function; In silico analysis, which includes splice predictors and evolutionary conservation, suggests this variant may impact gene splicing. In the absence of RNA/functional studies, the actual effect of this sequence change is unknown.; Has not been previously published as pathogenic or benign to our knowledge

Labcorp Genetics (formerly Invitae), Labcorp
Classification: Uncertain significance for Ataxia-telangiectasia syndrome. Last evaluated: 2016-10-12. Review status: criteria provided, single submitter. Criteria: Invitae Variant Classification Sherloc (09022015). Collection method: clinical testing. Allele origin: germline.
Comment: This sequence change replaces leucine with glutamine at codon 436 of the ATM protein (p.Leu436Gln). The leucine residue is moderately conserved and there is a moderate physicochemical difference between leucine and glutamine. This variant is not present in population databases (ExAC no frequency) and has not been reported in the literature in individuals with a ATM-related disease. Algorithms developed to predict the effect of missense changes on protein structure and function (SIFT, PolyPhen-2, Align-GVGD) all suggest that this variant is likely to be disruptive, but these predictions have not been confirmed by published functional studies. Algorithms developed to predict the effect of sequence changes on RNA splicing suggest that this variant may alter RNA splicing, but this prediction has not been confirmed by published transcriptional studies. In summary, this variant is a novel missense change with uncertain impact on protein function and splicing. It has been classified as a Variant of Uncertain Significance.